The following is an entry in ClinVar:

NM_133510.4(RAD51B):c.429del (p.Glu144fs)

Gene: RAD51B (RAD51 paralog B; plus strand). Cytogenetic location: 14q24.1.
Variant type: Deletion.
Coding change: c.429del on transcript NM_133510.4 (MANE Select); coding-DNA position 429, one base deleted (A; older notation c.429delA).
Protein change: p.Glu144fs; shifts the reading frame from glutamic acid 144.
Molecular consequence: frameshift variant.
Genome position (GRCh38, 1-based): chr14:67,865,116, A deleted. VCF-style (leftmost placement, unchanged base first): chr14-67865115-CA-C. GRCh37 (hg19) VCF-style: chr14-68331832-CA-C.
Other names: c.429del, p.Glu144fs (NM_001321812.1, NM_001321814.2, NM_001321818.2 and 6 more transcripts); c.315del, p.Glu106fs (NM_001321815.1); c.72del, p.Glu25fs (NM_001321817.2); short protein forms E106fs, E25fs, E144fs.
Identifiers: ClinVar variation 4149816 (VCV004149816.1).

ClinVar aggregate classification (germline): Uncertain significance (1 of 4 stars; one submission).

Submission:

Ambry Genetics
Classification: Uncertain significance. Last evaluated: 2025-07-23. Review status: criteria provided, single submitter. Criteria: Ambry Variant Classification Scheme 2023. Collection method: clinical testing. Allele origin: germline.
Comment: The c.429delA variant, located in coding exon 4 of the RAD51B gene, results from a deletion of one nucleotide at nucleotide position 429, causing a translational frameshift with a predicted alternate stop codon (p.E144Sfs*12). The evidence for this gene-disease relationship is limited; therefore, the clinical significance of this alteration is unclear.